The following is an entry in ClinVar:

NM_002691.4(POLD1):c.2773G>C (p.Val925Leu)

Gene: POLD1 (DNA polymerase delta 1, catalytic subunit; plus strand). Cytogenetic location: 19q13.33.
Variant type: single nucleotide variant.
Coding change: c.2773G>C on transcript NM_002691.4 (MANE Select); coding-DNA position 2773, G replaced by C.
Protein change: p.Val925Leu; replaces valine 925 with leucine.
Molecular consequence: missense variant.
Genome position (GRCh38, 1-based): chr19:50,415,779, G>C. VCF-style: chr19-50415779-G-C. GRCh37 (hg19) VCF-style: chr19-50919036-G-C.
Other names: c.2773G>C, p.Val925Leu (NM_001256849.1); c.2851G>C, p.Val951Leu (NM_001308632.1); c.2773G>C (NM_002691.2); short protein forms V925L, V951L.
Identifiers: ClinVar variation 1047788 (VCV001047788.9), dbSNP rs746950229, ClinGen allele CA406985981.

ClinVar aggregate classification (germline): Uncertain significance. Review status: criteria provided, multiple submitters, no conflicts (2 of 4 stars). 2 submissions from 2 submitters: Uncertain significance (2). Last evaluated 2025-04-23.

Conditions:
Hereditary cancer-predisposing syndrome. Also called: Tumor predisposition; Hereditary Cancer Syndrome; Hereditary neoplastic syndrome; Neoplastic Syndromes, Hereditary. Identifiers: Orphanet 140162, MedGen C0027672, MeSH D009386, MONDO:0015356.
POLD1-related polyposis and colorectal cancer syndrome (CRCS10). Also called: Colorectal cancer 10; COLORECTAL CANCER, SUSCEPTIBILITY TO, ON CHROMOSOME 19q; Colorectal cancer, susceptibility to, 10. Identifiers: Orphanet 220460, MedGen C2675481, MONDO:0012953, OMIM 612591.

gnomAD v4.1: 1 of 1,566,570 alleles (0.000064%); highest among the groups gnomAD compares: Non-Finnish European, 0.000086%; no homozygotes.

Submissions (2):

Ambry Genetics
Classification: Uncertain significance for Hereditary cancer-predisposing syndrome. Last evaluated: 2025-04-23. Review status: criteria provided, single submitter. Criteria: Ambry Variant Classification Scheme 2023. Collection method: clinical testing. Allele origin: germline.
Comment: The p.V925L variant (also known as c.2773G>C), located in coding exon 21 of the POLD1 gene, results from a G to C substitution at nucleotide position 2773. The valine at codon 925 is replaced by leucine, an amino acid with highly similar properties. This amino acid position is highly conserved in available vertebrate species. In addition, the in silico prediction for this alteration is inconclusive. Based on the available evidence, the clinical significance of this variant remains unclear.

Labcorp Genetics (formerly Invitae), Labcorp
Classification: Uncertain significance for POLD1-related polyposis and colorectal cancer syndrome. Last evaluated: 2023-11-20. Review status: criteria provided, single submitter. Criteria: Invitae Variant Classification Sherloc (09022015). Collection method: clinical testing. Allele origin: germline.
Comment: This sequence change replaces valine, which is neutral and non-polar, with leucine, which is neutral and non-polar, at codon 925 of the POLD1 protein (p.Val925Leu). This variant is not present in population databases (gnomAD no frequency). This variant has not been reported in the literature in individuals affected with POLD1-related conditions. ClinVar contains an entry for this variant (Variation ID: 1047788). Advanced modeling of protein sequence and biophysical properties (such as structural, functional, and spatial information, amino acid conservation, physicochemical variation, residue mobility, and thermodynamic stability) has been performed at Invitae for this missense variant, however the output from this modeling did not meet the statistical confidence thresholds required to predict the impact of this variant on POLD1 protein function. In summary, the available evidence is currently insufficient to determine the role of this variant in disease. Therefore, it has been classified as a Variant of Uncertain Significance.